The following is an entry in ClinVar:

NM_002972.4(SBF1):c.3116G>A (p.Arg1039Gln)

Gene: SBF1 (SET binding factor 1; minus strand). Cytogenetic location: 22q13.33.
Variant type: single nucleotide variant.
Coding change: c.3116G>A on transcript NM_002972.4 (MANE Select); coding-DNA position 3116, G replaced by A.
Protein change: p.Arg1039Gln; replaces arginine 1039 with glutamine.
Molecular consequence: missense variant.
Genome position (GRCh38, 1-based): chr22:50,460,564, C>T on the plus strand (G>A on the coding strand, the complement: SBF1 is on the minus strand). VCF-style: chr22-50460564-C-T. GRCh37 (hg19) VCF-style: chr22-50898993-C-T.
Other names: c.3119G>A, p.Arg1040Gln (NM_001365819.1, NM_001410794.1); c.3116G>A, p.Arg1039Gln (NM_001410795.1, NM_197971.1); short protein forms R1039Q, R1040Q.
Identifiers: ClinVar variation 1930152 (VCV001930152.5), dbSNP rs949823178, ClinGen allele CA412207368.
Genomic context (GRCh38, chr22:50,460,564, plus strand): 5'-AGCTGCCCTGCCTGGGACCCAGATCCATACCTGAGGGAAGGACCCTTGTCCTTGGTGACT[C>T]GCGGTGGCCGGCCAGGTGTGTGGGCAGAGCCCAAGGTGAACGCAAAGGTGGCCCTGATGT-3'
Protein context (NP_002963.2, residues 1029-1049): GSAHTPGRPP[Arg1039Gln]VTKDKGPSLR

ClinVar aggregate classification (germline): Uncertain significance (1 of 4 stars; one submission).

Allele frequency attached by ClinVar (database versions not stated): TOPMed below 0.00001; gnomAD 0.00001; gnomAD exomes 0.00001.
gnomAD v4.1: 9 of 1,613,968 alleles (0.00056%); highest among the groups gnomAD compares: South Asian, 0.0011%; no homozygotes.

Submission:

Labcorp Genetics (formerly Invitae), Labcorp
Classification: Uncertain significance. Last evaluated: 2022-05-18. Review status: criteria provided, single submitter. Criteria: Invitae Variant Classification Sherloc (09022015). Collection method: clinical testing. Allele origin: germline.
Comment: This sequence change replaces arginine, which is basic and polar, with glutamine, which is neutral and polar, at codon 1039 of the SBF1 protein (p.Arg1039Gln). This variant is not present in population databases (gnomAD no frequency). This variant has not been reported in the literature in individuals affected with SBF1-related conditions. Algorithms developed to predict the effect of missense changes on protein structure and function (SIFT, PolyPhen-2, Align-GVGD) all suggest that this variant is likely to be tolerated. In summary, the available evidence is currently insufficient to determine the role of this variant in disease. Therefore, it has been classified as a Variant of Uncertain Significance.